The following is an entry in ClinVar:

NM_014806.5(RUSC2):c.1772C>G (p.Thr591Ser)

Gene: RUSC2 (RUN and SH3 domain containing 2; plus strand). Cytogenetic location: 9p13.3.
Variant type: single nucleotide variant.
Coding change: c.1772C>G on transcript NM_014806.5 (MANE Select); coding-DNA position 1772, C replaced by G.
Protein change: p.Thr591Ser; replaces threonine 591 with serine.
Molecular consequence: missense variant. On other transcripts: intron variant (1).
Genome position (GRCh38, 1-based): chr9:35,548,293, C>G. VCF-style: chr9-35548293-C-G. GRCh37 (hg19) VCF-style: chr9-35548290-C-G.
Other names: c.1772C>G, p.Thr591Ser (NM_001135999.2); c.-620-6767C>G (NM_001330740.2); short protein forms T591S.
Identifiers: ClinVar variation 2039289 (VCV002039289.4), dbSNP rs2490385467, ClinGen allele CA373335641.

ClinVar aggregate classification (germline): Uncertain significance (1 of 4 stars; one submission).

Submission:

Labcorp Genetics (formerly Invitae), Labcorp
Classification: Uncertain significance. Last evaluated: 2021-12-10. Review status: criteria provided, single submitter. Criteria: Invitae Variant Classification Sherloc (09022015). Collection method: clinical testing. Allele origin: germline.
Comment: This variant is not present in population databases (gnomAD no frequency). This sequence change replaces threonine, which is neutral and polar, with serine, which is neutral and polar, at codon 591 of the RUSC2 protein (p.Thr591Ser). This variant has not been reported in the literature in individuals affected with RUSC2-related conditions. In summary, the available evidence is currently insufficient to determine the role of this variant in disease. Therefore, it has been classified as a Variant of Uncertain Significance. Algorithms developed to predict the effect of missense changes on protein structure and function output the following: SIFT: "Tolerated"; PolyPhen-2: "Benign"; Align-GVGD: "Class C0". The serine amino acid residue is found in multiple mammalian species, which suggests that this missense change does not adversely affect protein function.